The following is an entry in ClinVar:

NM_004380.3(CREBBP):c.4490A>C (p.Lys1497Thr)

Gene: CREBBP (CREB binding lysine acetyltransferase; minus strand). Cytogenetic location: 16p13.3.
Variant type: single nucleotide variant.
Coding change: c.4490A>C on transcript NM_004380.3 (MANE Select); coding-DNA position 4490, A replaced by C.
Protein change: p.Lys1497Thr; replaces lysine 1497 with threonine.
Molecular consequence: missense variant.
Genome position (GRCh38, 1-based): chr16:3,736,720, T>G on the plus strand (A>C on the coding strand, the complement: CREBBP is on the minus strand). VCF-style: chr16-3736720-T-G. GRCh37 (hg19) VCF-style: chr16-3786721-T-G.
Other names: c.4376A>C, p.Lys1459Thr (NM_001079846.1); short protein forms K1459T, K1497T.
Identifiers: ClinVar variation 2231507 (VCV002231507.5), dbSNP rs2052070843, ClinGen allele CA394563651.

ClinVar aggregate classification (germline): Uncertain significance. Review status: criteria provided, multiple submitters, no conflicts (2 of 4 stars). 3 submissions from 2 submitters: Uncertain significance (3). Last evaluated 2022-08-12.

Conditions:
Menke-Hennekam syndrome 1 (MKHK1). Identifiers: MedGen C5193034, MONDO:0020763, OMIM 618332.
Inborn genetic diseases. Identifiers: MedGen C0950123, MeSH D030342.
Rubinstein-Taybi syndrome due to CREBBP mutations (RSTS1). Also called: CREBBP-Related Rubinstein-Taybi Syndrome; Rubinstein-Taybi syndrome 1; RUBINSTEIN-TAYBI SYNDROME 1, INCOMPLETE; BROAD THUMB-HALLUX SYNDROME; RUBINSTEIN SYNDROME; BROAD THUMBS AND GREAT TOES, CHARACTERISTIC FACIES, AND IMPAIRED INTELLECTUAL DEVELOPMENT. Identifiers: Orphanet 353277, Orphanet 783, MedGen C4551859, MONDO:0008393, OMIM 180849.

Submissions (3):

Ambry Genetics
Classification: Uncertain significance for Inborn genetic diseases. Last evaluated: 2022-08-12. Review status: criteria provided, single submitter. Criteria: Ambry Variant Classification Scheme 2023. Collection method: clinical testing. Allele origin: germline.

Neuberg Centre For Genomic Medicine, NCGM
Classification: Uncertain significance for Rubinstein-Taybi syndrome due to CREBBP mutations. Review status: criteria provided, single submitter. Criteria: ACMG Guidelines, 2015. Collection method: clinical testing. Allele origin: germline. Inheritance: Autosomal dominant inheritance. Affected: yes.

Neuberg Centre For Genomic Medicine, NCGM
Classification: Uncertain significance for Menke-Hennekam syndrome 1. Review status: criteria provided, single submitter. Criteria: ACMG Guidelines, 2015. Collection method: clinical testing. Allele origin: germline. Inheritance: Autosomal dominant inheritance. Affected: yes.
Comment: The observed variant c.4490A>C(p.Lys1497Thr) in CREBBP gene has not been reported previously as a pathogenic variant nor as a benign variant, to our knowledge. The c.4490A>C variant is absent in gnomAD Exomes. The amino acid Lysine at position 1497 is changed to a Threonine changing protein sequence and it might alter its composition and physico-chemical properties. This variant has been reported to the ClinVar database as Uncertian Significance. However, no details are available for independent assessment. The variant is predicted to be damaging by SIFT. The amino acid change p.Lys1497Thr in CREBBP is predicted as conserved by GERP++ and PhyloP across 100 vertebrates. For these reasons, this variant has been classified as Uncertain Significance.